The following is an entry in ClinVar:

ClinVar aggregate classification (germline): Likely pathogenic (1 of 4 stars; one submission).

Conditions:
Dyskeratosis congenita. Identifiers: Orphanet 1775, MedGen C0265965, MONDO:0015780.

Submission:

Natera, Inc.
Classification: Likely pathogenic for Dyskeratosis congenita. Last evaluated: 2024-10-15. Review status: criteria provided, single submitter. Criteria: Natera Variant Classification Schema (03/2026). Collection method: clinical testing. Allele origin: germline.
Comment: The c.1546A>G variant in RTEL1 is a missense variant predicted to cause substitution of methionine to valine at amino acid 516. This variant is rare in the general population with a frequency below the threshold expected for the associated phenotype(s). This variant has been observed in one or more individuals affected with the associated recessive disease, as either homozygous or compound heterozygous with a second variant (PMID: 26808564). A different variant at the same position has been determined to be Pathogenic or Likely Pathogenic. Computational prediction algorithms indicate this variant is likely to affect gene or protein function. Given the available evidence, this variant is classified as Likely Pathogenic.

Literature cited by the submitters: PubMed 26808564.

NM_001283009.2(RTEL1):c.1474A>G (p.Met492Val)

Genes: RTEL1 (regulator of telomere elongation helicase 1; plus strand), RTEL1-TNFRSF6B (RTEL1-TNFRSF6B readthrough (NMD candidate); plus strand). Cytogenetic location: 20q13.33.
Variant type: single nucleotide variant.
Coding change: c.1474A>G on transcript NM_001283009.2 (MANE Select); coding-DNA position 1474, A replaced by G.
Protein change: p.Met492Val; replaces methionine 492 with valine.
Molecular consequence: missense variant. On other transcripts: non-coding transcript variant (1).
Genome position (GRCh38, 1-based): chr20:63,687,763, A>G. VCF-style: chr20-63687763-A-G. GRCh37 (hg19) VCF-style: chr20-62319116-A-G.
Other names: c.805A>G, p.Met269Val (NM_001283010.1); c.1474A>G, p.Met492Val (NM_016434.4); c.1546A>G, p.Met516Val (NM_032957.5); short protein forms M269V, M492V, M516V.
Identifiers: ClinVar variation 4816345 (VCV004816345.1).